The following is an entry in ClinVar:

ClinVar aggregate classification (germline): Benign. Review status: criteria provided, single submitter (1 of 4 stars). 2 submissions from 2 submitters: Benign (1). 1 of the submissions does not count toward it. Last evaluated 2022-03-23.

Conditions:
UNC13A-related disorder. Also called: UNC13A-related condition.

Allele frequency attached by ClinVar (database versions not stated): 1000 Genomes Project 30x 0.02420; 1000 Genomes Project 0.02316; ESP Exome Variant Server 0.04576; TOPMed 0.04290; gnomAD 0.03948; ExAC 0.04087.
gnomAD v4.1: 82,440 of 1,603,706 alleles (5.1%); highest among the groups gnomAD compares: Middle Eastern, 6.2%; 2,658 homozygotes.

Submissions (2):

Mayo Clinic Laboratories, Mayo Clinic
Classification: Benign. Last evaluated: 2022-03-23. Review status: criteria provided, single submitter. Criteria: ACMG Guidelines, 2015. Collection method: clinical testing. Allele origin: germline. Observed: 69 variant alleles.

PreventionGenetics, part of Exact Sciences
Classification: Benign for UNC13A-related condition. Last evaluated: 2020-01-14. Review status: no assertion criteria provided. Collection method: clinical testing. Allele origin: germline. Not counted in ClinVar's aggregate classification.
Comment: This variant is classified as benign based on ACMG/AMP sequence variant interpretation guidelines (Richards et al. 2015 PMID: 25741868, with internal and published modifications).

NM_001080421.3(UNC13A):c.3108G>A (p.Glu1036=)

Gene: UNC13A (unc-13 homolog A; minus strand). Cytogenetic location: 19p13.11.
Variant type: single nucleotide variant.
Coding change: c.3108G>A on transcript NM_001080421.3 (MANE Select); coding-DNA position 3108, G replaced by A.
Protein change: p.Glu1036=; no amino-acid change (glutamic acid 1036 retained).
Molecular consequence: synonymous variant.
Genome position (GRCh38, 1-based): chr19:17,636,131, C>T on the plus strand (G>A on the coding strand, the complement: UNC13A is on the minus strand). VCF-style: chr19-17636131-C-T. GRCh37 (hg19) VCF-style: chr19-17746940-C-T.
Other names: p.Glu1036=; c.3102G>A, p.Glu1034= (NM_001387021.1, NM_001387022.1, NM_001387023.1).
Identifiers: ClinVar variation 3057214 (VCV003057214.3), dbSNP rs77267738, ClinGen allele CA9298085.